The following is an entry in ClinVar:

ClinVar aggregate classification (germline): Uncertain significance (1 of 4 stars; one submission).

Conditions:
Ataxia-telangiectasia syndrome (AT). Also called: Ataxia-telangiectasia, complementation group D; LOUIS-BAR SYNDROME; ATAXIA-TELANGIECTASIA, COMPLEMENTATION GROUP A; ATAXIA-TELANGIECTASIA, FRESNO VARIANT; Ataxia telangiectasia (A-T); Cerebello-oculocutaneous telangiectasia. Identifiers: Orphanet 100, MedGen C0004135, MONDO:0008840, OMIM 208900.

Submission:

Labcorp Genetics (formerly Invitae), Labcorp
Classification: Uncertain significance for Ataxia-telangiectasia syndrome. Last evaluated: 2023-06-04. Review status: criteria provided, single submitter. Criteria: Invitae Variant Classification Sherloc (09022015). Collection method: clinical testing. Allele origin: germline.
Comment: In summary, the available evidence is currently insufficient to determine the role of this variant in disease. Therefore, it has been classified as a Variant of Uncertain Significance. Variants that disrupt the consensus splice site are a relatively common cause of aberrant splicing (PMID: 17576681, 9536098). Algorithms developed to predict the effect of sequence changes on RNA splicing suggest that this variant may disrupt the consensus splice site. This variant has not been reported in the literature in individuals affected with ATM-related conditions. This variant is not present in population databases (gnomAD no frequency). This sequence change falls in intron 25 of the ATM gene. It does not directly change the encoded amino acid sequence of the ATM protein. It affects a nucleotide within the consensus splice site.

Literature cited by the submitters: PubMed 17576681; PubMed 9536098.

NM_000051.4(ATM):c.3746+3A>C

Gene: ATM (ATM serine/threonine kinase; plus strand). Cytogenetic location: 11q22.3.
Variant type: single nucleotide variant.
Coding change: c.3746+3A>C on transcript NM_000051.4 (MANE Select); 3 bases into the intron after coding-DNA position 3746, A replaced by C.
Molecular consequence: intron variant.
Genome position (GRCh38, 1-based): chr11:108,282,882, A>C. VCF-style: chr11-108282882-A-C. GRCh37 (hg19) VCF-style: chr11-108153609-A-C.
Other names: c.3746+3A>C (NM_001351834.2).
Identifiers: ClinVar variation 2765194 (VCV002765194.3), dbSNP rs2135691310, ClinGen allele CA2697556364.